The following is an entry in ClinVar:

NM_015915.5(ATL1):c.*475G>A

Gene: ATL1 (atlastin GTPase 1; plus strand). Cytogenetic location: 14q22.1.
Variant type: single nucleotide variant.
Coding change: c.*475G>A on transcript NM_015915.5 (MANE Select); 475 bases downstream of the stop codon, G replaced by A.
Molecular consequence: 3 prime UTR variant.
Genome position (GRCh38, 1-based): chr14:50,632,814, G>A. VCF-style: chr14-50632814-G-A. GRCh37 (hg19) VCF-style: chr14-51099532-G-A.
Other names: c.*475G>A (NM_001127713.1, NM_181598.4).
Identifiers: ClinVar variation 313313 (VCV000313313.5), dbSNP rs111734056, ClinGen allele CA10645420.

ClinVar aggregate classification (germline): Benign (1 of 4 stars; one submission).

Conditions:
Hereditary spastic paraplegia 3A (SPG3A). Also called: SPASTIC PARAPLEGIA 3, AUTOSOMAL DOMINANT; FAMILIAL SPASTIC PARAPLEGIA, AUTOSOMAL DOMINANT, 1; SPG3; STRUMPELL DISEASE; Spastic Paraplegia 3A; Spastic paraplegia 3A, autosomal dominant. Identifiers: Orphanet 100984, MedGen C2931355, MONDO:0008437, OMIM 182600.

Allele frequency attached by ClinVar (database versions not stated): 1000 Genomes Project 0.00060; 1000 Genomes Project 30x 0.00062; TOPMed 0.00253; gnomAD exomes 0.00259; gnomAD 0.00281.
gnomAD v4.1: 442 of 156,106 alleles (0.28%); highest among the groups gnomAD compares: Non-Finnish European, 0.43%; 1 homozygote.

Submission:

Illumina Laboratory Services, Illumina
Classification: Benign for Hereditary spastic paraplegia 3A. Last evaluated: 2018-01-13. Review status: criteria provided, single submitter. Criteria: ICSL Variant Classification Criteria 13 December 2019. Collection method: clinical testing. Allele origin: germline.
Comment: This variant was observed in the ICSL laboratory as part of a predisposition screen in an ostensibly healthy population. It had not been previously curated by ICSL or reported in the Human Gene Mutation Database (HGMD: prior to June 1st, 2018), and was therefore a candidate for classification through an automated scoring system. Utilizing variant allele frequency, disease prevalence and penetrance estimates, and inheritance mode, an automated score was calculated to assess if this variant is too frequent to cause the disease. Based on the score and internal cut-off values, a variant classified as benign is not then subjected to further curation. The score for this variant resulted in a classification of benign for this disease.